The following is an entry in ClinVar:

NM_001378454.1(ALMS1):c.350G>A (p.Trp117Ter)

Gene: ALMS1 (ALMS1 centrosome and basal body associated protein; plus strand). Cytogenetic location: 2p13.1.
Variant type: single nucleotide variant.
Coding change: c.350G>A on transcript NM_001378454.1 (MANE Select); coding-DNA position 350, G replaced by A.
Protein change: p.Trp117Ter; replaces tryptophan 117 with a stop codon.
Molecular consequence: nonsense.
Genome position (GRCh38, 1-based): chr2:73,408,647, G>A. VCF-style: chr2-73408647-G-A. GRCh37 (hg19) VCF-style: chr2-73635775-G-A.
Other names: c.353G>A, p.Trp118Ter (NM_015120.4); short protein forms W118*, W117*.
Identifiers: ClinVar variation 958531 (VCV000958531.7), dbSNP rs1671017057, ClinGen allele CA347257532.

ClinVar aggregate classification (germline): Pathogenic (1 of 4 stars; one submission).

Conditions:
Alstrom syndrome (ALMS). Identifiers: Orphanet 64, MedGen C0268425, MONDO:0008763, OMIM 203800.

Submission:

Labcorp Genetics (formerly Invitae), Labcorp
Classification: Pathogenic for Alstrom syndrome. Last evaluated: 2019-07-17. Review status: criteria provided, single submitter. Criteria: Invitae Variant Classification Sherloc (09022015). Collection method: clinical testing. Allele origin: germline.
Comment: This variant is not present in population databases (ExAC no frequency). This sequence change creates a premature translational stop signal (p.Trp118*) in the ALMS1 gene. It is expected to result in an absent or disrupted protein product. This variant has not been reported in the literature in individuals with ALMS1-related conditions. Loss-of-function variants in ALMS1 are known to be pathogenic (PMID: 17594715). For these reasons, this variant has been classified as Pathogenic.

Literature cited by the submitters: PubMed 17594715.